The following is an entry in ClinVar:

ClinVar aggregate classification (germline): Conflicting classifications of pathogenicity. Review status: criteria provided, conflicting classifications (1 of 4 stars). 4 submissions from 4 submitters: Uncertain significance (2); Likely benign (2). Last evaluated 2024-04-29.

Conditions:
Breast-ovarian cancer, familial, susceptibility to, 2 (BROVCA2). Also called: BRCA2 Hereditary Breast and Ovarian Cancer. Identifiers: Orphanet 145, MedGen C2675520, MONDO:0012933, OMIM 612555. Disease mechanism: loss of function.
Hereditary cancer-predisposing syndrome. Also called: Hereditary Cancer Syndrome; Hereditary neoplastic syndrome; Tumor predisposition; Neoplastic Syndromes, Hereditary. Identifiers: Orphanet 140162, MedGen C0027672, MeSH D009386, MONDO:0015356.

Allele frequency attached by ClinVar (database versions not stated): gnomAD 0.00001; TOPMed 0.00001.
gnomAD v4.1: 1 of 1,600,798 alleles (0.000062%); highest among the groups gnomAD compares: African/African-American, 0.0014%; no homozygotes.

Submissions (4):

Myriad Genetics, Inc.
Classification: Likely benign for Breast-ovarian cancer, familial, susceptibility to, 2. Last evaluated: 2024-04-29. Review status: criteria provided, single submitter. Criteria: Myriad Autosomal Dominant, Autosomal Recessive and X-Linked Classification Criteria (2023). Collection method: clinical testing. Allele origin: unknown.
Comment: This variant is considered likely benign. This variant is strongly associated with less severe personal and family histories of cancer, typical for individuals without pathogenic variants in this gene [PMID: 25085752].

Ambry Genetics
Classification: Uncertain significance for Hereditary cancer-predisposing syndrome. Last evaluated: 2024-02-02. Review status: criteria provided, single submitter. Criteria: Ambry Variant Classification Scheme 2023. Collection method: clinical testing. Allele origin: germline.
Comment: The p.S2172A variant (also known as c.6514T>G), located in coding exon 10 of the BRCA2 gene, results from a T to G substitution at nucleotide position 6514. The serine at codon 2172 is replaced by alanine, an amino acid with similar properties. This amino acid position is not well conserved in available vertebrate species. In addition, this alteration is predicted to be tolerated by in silico analysis. Since supporting evidence is limited at this time, the clinical significance of this alteration remains unclear.

All of Us Research Program, National Institutes of Health
Classification: Uncertain significance for Breast-ovarian cancer, familial, susceptibility to, 2. Last evaluated: 2023-11-30. Review status: criteria provided, single submitter. Criteria: ACMG Guidelines, 2015. Collection method: clinical testing. Allele origin: germline. Inheritance: Autosomal dominant inheritance. Observed: 1 variant allele, 1 heterozygote.
Comment: This missense variant replaces serine with alanine at codon 2172 of the BRCA2 protein. Computational prediction suggests that this variant may not impact protein structure and function (internally defined REVEL score threshold <= 0.5, PMID: 27666373). To our knowledge, functional studies have not been reported for this variant. This variant has not been reported in individuals affected with hereditary cancer in the literature. This variant has not been identified in the general population by the Genome Aggregation Database (gnomAD). The available evidence is insufficient to determine the role of this variant in disease conclusively. Therefore, this variant is classified as a Variant of Uncertain Significance.

This study involves interpretation of variants in research participants for the purpose of population health screening. Participant phenotype was not available at the time of variant classification. Additional details can be found in publication PMID: 35346344, PMCID: PMC8962531

University of Washington Department of Laboratory Medicine, University of Washington
Classification: Likely benign for Hereditary cancer-predisposing syndrome. Last evaluated: 2023-03-23. Review status: criteria provided, single submitter. Criteria: Dines et al. (Genet Med. 2020). Collection method: curation. Allele origin: germline.
Comment: Missense variant in a coldspot region where missense variants are very unlikely to be pathogenic (PMID:31911673).

BRCA2 exon 11 coldspot. Reclassification based on statistical prior probability.

Literature cited by the submitters: PubMed 25085752 (cited by Myriad Genetics, Inc.).

NM_000059.4(BRCA2):c.6514T>G (p.Ser2172Ala)

Gene: BRCA2 (BRCA2 DNA repair associated; plus strand). Cytogenetic location: 13q13.1.
Variant type: single nucleotide variant.
Coding change: c.6514T>G on transcript NM_000059.4 (MANE Select); coding-DNA position 6514, T replaced by G.
Protein change: p.Ser2172Ala; replaces serine 2172 with alanine.
Molecular consequence: missense variant.
Genome position (GRCh38, 1-based): chr13:32,340,869, T>G. VCF-style: chr13-32340869-T-G. GRCh37 (hg19) VCF-style: chr13-32915006-T-G.
Other names: short protein forms S2172A.
Identifiers: ClinVar variation 441284 (VCV000441284.9), dbSNP rs1222261194, ClinGen allele CA387789598.